The following is an entry in ClinVar:

NM_017950.4(CCDC40):c.2671G>T (p.Glu891Ter)

Gene: CCDC40 (coiled-coil domain 40 molecular ruler complex subunit; plus strand). Cytogenetic location: 17q25.3.
Variant type: single nucleotide variant.
Coding change: c.2671G>T on transcript NM_017950.4 (MANE Select); coding-DNA position 2671, G replaced by T.
Protein change: p.Glu891Ter; replaces glutamic acid 891 with a stop codon.
Molecular consequence: nonsense.
Genome position (GRCh38, 1-based): chr17:80,088,062, G>T. VCF-style: chr17-80088062-G-T. GRCh37 (hg19) VCF-style: chr17-78061861-G-T.
Other names: c.2671G>T, p.Glu891Ter (NM_001243342.2); short protein forms E891*.
Identifiers: ClinVar variation 454884 (VCV000454884.8), dbSNP rs773796940, ClinGen allele CA401349741.
Genomic context (GRCh38, chr17:80,088,062, plus strand): 5'-CCCATGCAGGCCTCTGAGAGGGAGACCATCAAGATGCAGGACAAGCTGAACCAGCTCAGC[G>T]AGGAGAAGGCGACCCTCCTGAATCAACTGGTGGAAGCAGAGTGAGTCCCAGTCTCCAGCC-3'

ClinVar aggregate classification (germline): Pathogenic (1 of 4 stars; one submission).

Conditions:
Primary ciliary dyskinesia. Also called: Ciliary dyskinesia. Identifiers: Orphanet 244, MedGen C0008780, MONDO:0016575, HP:0012265.

Submission:

Labcorp Genetics (formerly Invitae), Labcorp
Classification: Pathogenic for Primary ciliary dyskinesia. Last evaluated: 2022-01-11. Review status: criteria provided, single submitter. Criteria: Invitae Variant Classification Sherloc (09022015). Collection method: clinical testing. Allele origin: germline.
Comment: This sequence change creates a premature translational stop signal (p.Glu891*) in the CCDC40 gene. It is expected to result in an absent or disrupted protein product. Loss-of-function variants in CCDC40 are known to be pathogenic (PMID: 21131974, 22693285, 23255504). This variant is not present in population databases (gnomAD no frequency). This variant has not been reported in the literature in individuals affected with CCDC40-related conditions. ClinVar contains an entry for this variant (Variation ID: 454884). For these reasons, this variant has been classified as Pathogenic.

Literature cited by the submitters: PubMed 21131974; PubMed 22693285; PubMed 23255504.